The following is an entry in ClinVar:

ClinVar aggregate classification (germline): Uncertain significance (1 of 4 stars; one submission).

Submission:

Labcorp Genetics (formerly Invitae), Labcorp
Classification: Uncertain significance. Last evaluated: 2025-06-03. Review status: criteria provided, single submitter. Criteria: Invitae Variant Classification Sherloc (09022015). Collection method: clinical testing. Allele origin: germline.
Comment: This sequence change replaces alanine, which is neutral and non-polar, with valine, which is neutral and non-polar, at codon 139 of the IRF2BP2 protein (p.Ala139Val). The frequency data for this variant in the population databases is considered unreliable, as metrics indicate poor data quality at this position in the gnomAD database. This variant has not been reported in the literature in individuals affected with IRF2BP2-related conditions. An algorithm developed to predict the effect of missense changes on protein structure and function (PolyPhen-2) suggests that this variant is likely to be tolerated. In summary, the available evidence is currently insufficient to determine the role of this variant in disease. Therefore, it has been classified as a Variant of Uncertain Significance.

NM_182972.3(IRF2BP2):c.416C>T (p.Ala139Val)

Genes: IRF2BP2 (interferon regulatory factor 2 binding protein 2; minus strand), LOC129932812 (ATAC-STARR-seq lymphoblastoid silent region 1977; plus strand). Cytogenetic location: 1q42.3.
Variant type: single nucleotide variant.
Coding change: c.416C>T on transcript NM_182972.3 (MANE Select); coding-DNA position 416, C replaced by T.
Protein change: p.Ala139Val; replaces alanine 139 with valine.
Molecular consequence: missense variant.
Genome position (GRCh38, 1-based): chr1:234,609,079, G>A on the plus strand (C>T on the coding strand, the complement: IRF2BP2 is on the minus strand). VCF-style: chr1-234609079-G-A. GRCh37 (hg19) VCF-style: chr1-234744825-G-A.
Other names: c.416C>T, p.Ala139Val (NM_001077397.1); short protein forms A139V.
Identifiers: ClinVar variation 4770193 (VCV004770193.1).